The following is an entry in ClinVar:

NM_017636.4(TRPM4):c.1045G>T (p.Ala349Ser)

Gene: TRPM4 (transient receptor potential cation channel subfamily M member 4; plus strand). Cytogenetic location: 19q13.33.
Variant type: single nucleotide variant.
Coding change: c.1045G>T on transcript NM_017636.4 (MANE Select); coding-DNA position 1045, G replaced by T.
Protein change: p.Ala349Ser; replaces alanine 349 with serine.
Molecular consequence: missense variant. On other transcripts: 5 prime UTR variant (1).
Genome position (GRCh38, 1-based): chr19:49,171,764, G>T. VCF-style: chr19-49171764-G-T. GRCh37 (hg19) VCF-style: chr19-49675021-G-T.
Other names: c.1045G>T, p.Ala349Ser (NM_001195227.2); c.700G>T, p.Ala234Ser (NM_001321281.2); c.-509G>T (NM_001321282.2); c.523G>T, p.Ala175Ser (NM_001321283.2); c.196G>T, p.Ala66Ser (NM_001321285.2); short protein forms A234S, A66S, A349S, A175S.
Identifiers: ClinVar variation 1775336 (VCV001775336.2), dbSNP rs1055381085, ClinGen allele CA309433601.

ClinVar aggregate classification (germline): Uncertain significance (1 of 4 stars; one submission).

Conditions:
Cardiovascular phenotype. Identifiers: MedGen CN230736.

Allele frequency attached by ClinVar (database versions not stated): gnomAD exomes below 0.00001; gnomAD 0.00001.

Submission:

Ambry Genetics
Classification: Uncertain significance for Cardiovascular phenotype. Last evaluated: 2022-10-17. Review status: criteria provided, single submitter. Criteria: Ambry Variant Classification Scheme 2023. Collection method: clinical testing. Allele origin: germline.
Comment: The p.A349S variant (also known as c.1045G>T), located in coding exon 8 of the TRPM4 gene, results from a G to T substitution at nucleotide position 1045. The alanine at codon 349 is replaced by serine, an amino acid with similar properties. This amino acid position is conserved. In addition, this alteration is predicted to be tolerated by in silico analysis. Since supporting evidence is limited at this time, the clinical significance of this alteration remains unclear.